The following is an entry in ClinVar:

ClinVar aggregate classification (germline): Uncertain significance (1 of 4 stars; one submission).

Conditions:
Thrombocytopenia 1. Also called: X-linked thrombocytopenia with normal platelets; X-Linked Thrombocytopenia (XLT); THROMBOCYTOPENIA, X-LINKED, 1. Identifiers: Orphanet 268322, Orphanet 852, MedGen C1839163, MONDO:0010743, OMIM 313900.
Wiskott-Aldrich syndrome (WAS). Also called: ALDRICH SYNDROME; IMMUNODEFICIENCY 2; WISKOTT-ALDRICH SYNDROME 1; Wiskott-aldrich syndrome, somatic. Identifiers: Orphanet 906, MedGen C0043194, MONDO:0010518, OMIM 301000.
X-linked severe congenital neutropenia (SCNX). Identifiers: Orphanet 86788, MedGen C1845987, MONDO:0010294, OMIM 300299.

Submission:

Labcorp Genetics (formerly Invitae), Labcorp
Classification: Uncertain significance for Wiskott-Aldrich syndrome; X-linked severe congenital neutropenia; Thrombocytopenia 1. Last evaluated: 2025-12-03. Review status: criteria provided, single submitter. Criteria: Invitae Variant Classification Sherloc (09022015). Collection method: clinical testing. Allele origin: germline.
Comment: This sequence change replaces isoleucine, which is neutral and non-polar, with asparagine, which is neutral and polar, at codon 85 of the WAS protein (p.Ile85Asn). This variant is not present in population databases (gnomAD no frequency). This variant has not been reported in the literature in individuals affected with WAS-related conditions. Invitae Evidence Modeling of protein sequence and biophysical properties (such as structural, functional, and spatial information, amino acid conservation, physicochemical variation, residue mobility, and thermodynamic stability) indicates that this missense variant is expected to disrupt WAS protein function with a positive predictive value of 95%. In summary, the available evidence is currently insufficient to determine the role of this variant in disease. Therefore, it has been classified as a Variant of Uncertain Significance.

NM_000377.3(WAS):c.254T>A (p.Ile85Asn)

Gene: WAS (WASP actin nucleation promoting factor; plus strand). Cytogenetic location: Xp11.23.
Variant type: single nucleotide variant.
Coding change: c.254T>A on transcript NM_000377.3 (MANE Select); coding-DNA position 254, T replaced by A.
Protein change: p.Ile85Asn; replaces isoleucine 85 with asparagine.
Molecular consequence: missense variant.
Genome position (GRCh38, 1-based): chrX:48,684,404, T>A. VCF-style: chrX-48684404-T-A. GRCh37 (hg19) VCF-style: chrX-48542793-T-A.
Other names: c.254T>A, p.Ile85Asn (NM_001438876.1, NM_001438877.1, NM_001438878.1 and 1 more transcripts); short protein forms I85N.
Identifiers: ClinVar variation 4782438 (VCV004782438.1).